The following is an entry in ClinVar:

NM_002351.5(SH2D1A):c.201+3A>G

Gene: SH2D1A (SH2 domain containing 1A; plus strand). Cytogenetic location: Xq25.
Variant type: single nucleotide variant.
Coding change: c.201+3A>G on transcript NM_002351.5 (MANE Select); 3 bases into the intron after coding-DNA position 201, A replaced by G.
Molecular consequence: intron variant.
Genome position (GRCh38, 1-based): chrX:124,365,827, A>G. VCF-style: chrX-124365827-A-G. GRCh37 (hg19) VCF-style: chrX-123499677-A-G.
Other names: c.201+3A>G (NM_001114937.3).
Identifiers: ClinVar variation 1338416 (VCV001338416.7), dbSNP rs2147531380, ClinGen allele CA2573055101.

ClinVar aggregate classification (germline): Likely pathogenic. Review status: criteria provided, multiple submitters, no conflicts (2 of 4 stars). 2 submissions from 2 submitters: Likely pathogenic (2). Last evaluated 2019-07-01.

Conditions:
Autoinflammatory syndrome. Identifiers: Orphanet 93665, MedGen C3890737, MONDO:0019751.

Submissions (2):

Genome Diagnostics Laboratory, The Hospital for Sick Children
Classification: Likely pathogenic for Autoinflammatory syndrome. Last evaluated: 2019-07-01. Review status: criteria provided, single submitter. Criteria: ACMG Guidelines, 2015. Collection method: clinical testing. Allele origin: germline. Affected: yes.

Genetic Services Laboratory, University of Chicago
Classification: Likely pathogenic. Last evaluated: 2018-06-26. Review status: criteria provided, single submitter. Criteria: ACMG Guidelines, 2015. Collection method: clinical testing. Allele origin: germline. Affected: yes.
Comment: DNA sequence analysis of the SH2D1A gene demonstrated a sequence change located near the canonical splice donor site in intron 2, c.201+3A>G. This variant is not present as a benign sequence change in large population databases (ESP, ExAC).? This variant has been reported in one patient with X-linked lymphoproliferative disorder (Tabata et al, 2005), where? the variant was shown to result in abnormal splicing of the SH2D1A gene and premature termination of the SH2D1A protein.